The following is an entry in ClinVar:

NM_004525.3(LRP2):c.6374G>A (p.Arg2125His)

Gene: LRP2 (LDL receptor related protein 2; minus strand). Cytogenetic location: 2q31.1.
Variant type: single nucleotide variant.
Coding change: c.6374G>A on transcript NM_004525.3 (MANE Select); coding-DNA position 6374, G replaced by A.
Protein change: p.Arg2125His; replaces arginine 2125 with histidine.
Molecular consequence: missense variant.
Genome position (GRCh38, 1-based): chr2:169,209,548, C>T on the plus strand (G>A on the coding strand, the complement: LRP2 is on the minus strand). VCF-style: chr2-169209548-C-T. GRCh37 (hg19) VCF-style: chr2-170066058-C-T.
Other names: c.6374G>A (NM_004525.2); short protein forms R2125H.
Identifiers: ClinVar variation 1372451 (VCV001372451.6), dbSNP rs752202886, ClinGen allele CA1954304.

ClinVar aggregate classification (germline): Uncertain significance. Review status: criteria provided, multiple submitters, no conflicts (2 of 4 stars). 3 submissions from 3 submitters: Uncertain significance (3). Last evaluated 2023-12-06.

Conditions:
Inborn genetic diseases. Identifiers: MedGen C0950123, MeSH D030342.
Donnai-Barrow syndrome. Also called: DBS/FOAR SYNDROME; FACIOOCULOACOUSTICORENAL SYNDROME. Identifiers: Orphanet 2143, MedGen C1857277, MONDO:0009104, OMIM 222448.

Allele frequency attached by ClinVar (database versions not stated): gnomAD 0.00001; ExAC 0.00002; gnomAD exomes 0.00002 and 0.00003; TOPMed 0.00002.
gnomAD v4.1: 38 of 1,613,966 alleles (0.0024%); highest among the groups gnomAD compares: South Asian, 0.0033%; no homozygotes.

Submissions (3):

Labcorp Genetics (formerly Invitae), Labcorp
Classification: Uncertain significance. Last evaluated: 2023-12-06. Review status: criteria provided, single submitter. Criteria: Invitae Variant Classification Sherloc (09022015). Collection method: clinical testing. Allele origin: germline.
Comment: This sequence change replaces arginine, which is basic and polar, with histidine, which is basic and polar, at codon 2125 of the LRP2 protein (p.Arg2125His). This variant is present in population databases (rs752202886, gnomAD 0.006%). This variant has not been reported in the literature in individuals affected with LRP2-related conditions. ClinVar contains an entry for this variant (Variation ID: 1372451). Advanced modeling of protein sequence and biophysical properties (such as structural, functional, and spatial information, amino acid conservation, physicochemical variation, residue mobility, and thermodynamic stability) performed at Invitae indicates that this missense variant is not expected to disrupt LRP2 protein function with a negative predictive value of 80%. In summary, the available evidence is currently insufficient to determine the role of this variant in disease. Therefore, it has been classified as a Variant of Uncertain Significance.

Ambry Genetics
Classification: Uncertain significance for Inborn genetic diseases. Last evaluated: 2023-11-09. Review status: criteria provided, single submitter. Criteria: Ambry Variant Classification Scheme 2023. Collection method: clinical testing. Allele origin: germline.

Fulgent Genetics
Classification: Uncertain significance for Donnai-Barrow syndrome. Last evaluated: 2021-12-14. Review status: criteria provided, single submitter. Criteria: ACMG Guidelines, 2015. Collection method: clinical testing. Allele origin: unknown.